The following is an entry in ClinVar:

NM_000090.4(COL3A1):c.951+7A>G

Gene: COL3A1 (collagen type III alpha 1 chain; plus strand). Cytogenetic location: 2q32.2.
Variant type: single nucleotide variant.
Coding change: c.951+7A>G on transcript NM_000090.4 (MANE Select); 7 bases into the intron after coding-DNA position 951, A replaced by G.
Molecular consequence: intron variant.
Genome position (GRCh38, 1-based): chr2:188,991,729, A>G. VCF-style: chr2-188991729-A-G. GRCh37 (hg19) VCF-style: chr2-189856455-A-G.
Identifiers: ClinVar variation 2917529 (VCV002917529.3), dbSNP rs1559055167, ClinGen allele CA1040405522.

ClinVar aggregate classification (germline): Uncertain significance (1 of 4 stars; one submission).

Conditions:
Ehlers-Danlos syndrome, type 4 (EDSVASC). Also called: Ehlers-Danlos syndrome vascular type; Ehlers Danlos syndrome, ecchymotic type; Ehlers Danlos syndrome, arterial type; Ehlers Danlos syndrome, Sack-Barabas type; Ehlers-Danlos Syndrome Type IV. Identifiers: Orphanet 286, MedGen C0268338, MONDO:0017314, OMIM 130050.

Allele frequency attached by ClinVar (database versions not stated): gnomAD 0.00001; gnomAD exomes below 0.00001.
gnomAD v4.1: 3 of 1,613,384 alleles (0.00019%); highest among the groups gnomAD compares: Non-Finnish European, 0.00025%; no homozygotes.

Submission:

Labcorp Genetics (formerly Invitae), Labcorp
Classification: Uncertain significance for Ehlers-Danlos syndrome, type 4. Last evaluated: 2023-04-14. Review status: criteria provided, single submitter. Criteria: Invitae Variant Classification Sherloc (09022015). Collection method: clinical testing. Allele origin: germline.
Comment: In summary, the available evidence is currently insufficient to determine the role of this variant in disease. Therefore, it has been classified as a Variant of Uncertain Significance. Algorithms developed to predict the effect of sequence changes on RNA splicing suggest that this variant may disrupt the consensus splice site. This variant has not been reported in the literature in individuals affected with COL3A1-related conditions. This variant is not present in population databases (gnomAD no frequency). This sequence change falls in intron 13 of the COL3A1 gene. It does not directly change the encoded amino acid sequence of the COL3A1 protein.